The following is an entry in ClinVar:

ClinVar aggregate classification (germline): Uncertain significance (1 of 4 stars; one submission).

Conditions:
Fibrous dysplasia of jaw (CRBM). Also called: Cherubism. Identifiers: Orphanet 184, MedGen C0008029, MONDO:0007315, OMIM 118400.

Submission:

Labcorp Genetics (formerly Invitae), Labcorp
Classification: Uncertain significance for Fibrous dysplasia of jaw. Last evaluated: 2025-09-29. Review status: criteria provided, single submitter. Criteria: Invitae Variant Classification Sherloc (09022015). Collection method: clinical testing. Allele origin: germline.
Comment: This variant, c.1156_1158del, results in the deletion of 1 amino acid(s) of the SH3BP2 protein (p.Pro386del), but otherwise preserves the integrity of the reading frame. This variant is present in population databases (no rsID available, gnomAD 0.002%). This variant has not been reported in the literature in individuals affected with SH3BP2-related conditions. Experimental studies and prediction algorithms are not available or were not evaluated, and the functional significance of this variant is currently unknown. In summary, the available evidence is currently insufficient to determine the role of this variant in disease. Therefore, it has been classified as a Variant of Uncertain Significance.

NM_001122681.2(SH3BP2):c.1153CCT[1] (p.Pro386del)

Gene: SH3BP2 (SH3 domain binding protein 2; plus strand). Cytogenetic location: 4p16.3.
Variant type: Microsatellite.
Coding change: c.1153CCT[1] on transcript NM_001122681.2 (MANE Select); one copy of the 3-base unit CCT starting at c.1153; the reference has two copies in a row; one copy, 3 bases deleted.
Protein change: p.Pro386del; deletes proline 386.
Molecular consequence: inframe deletion.
Genome position (GRCh38, 1-based): chr4:2,830,062-2,830,064, CCT deleted; deleting any 3 consecutive bases within chr4:2,830,059-2,830,064 gives the same sequence; the position shown is the placement nearest the transcript's 3' end. VCF-style (leftmost placement, unchanged base first): chr4-2830058-GCCT-G. GRCh37 (hg19) VCF-style: chr4-2831785-GCCT-G.
Other names: c.1237CCT[1], p.Pro414del (NM_001145855.2); c.1324CCT[1], p.Pro443del (NM_001145856.2); c.1153CCT[1], p.Pro386del (NM_003023.4); short protein forms P386del, P414del, P443del.
Identifiers: ClinVar variation 1396205 (VCV001396205.6), dbSNP rs1303791404, ClinGen allele CA549704125.